The following is an entry in ClinVar:

ClinVar aggregate classification (germline): Uncertain significance (1 of 4 stars; one submission).

Conditions:
Familial hypocalciuric hypercalcemia (FHH). Also called: Familial benign hypercalcemia. Identifiers: Orphanet 405, MedGen C1809471, MONDO:0018458.
Autosomal dominant hypocalcemia 1 (HYPOC1). Also called: HYPOCALCEMIA, FAMILIAL. Identifiers: MedGen C3715128, MONDO:0011013, OMIM 601198.

Submission:

Labcorp Genetics (formerly Invitae), Labcorp
Classification: Uncertain significance for Familial hypocalciuric hypercalcemia; Autosomal dominant hypocalcemia 1. Last evaluated: 2026-01-24. Review status: criteria provided, single submitter. Criteria: Invitae Variant Classification Sherloc (09022015). Collection method: clinical testing. Allele origin: germline.
Comment: This sequence change replaces valine, which is neutral and non-polar, with leucine, which is neutral and non-polar, at codon 209 of the CASR protein (p.Val209Leu). This variant is not present in population databases (gnomAD no frequency). This variant has not been reported in the literature in individuals affected with CASR-related conditions. An algorithm developed to predict the effect of missense changes on protein structure and function (PolyPhen-2) suggests that this variant is likely to be disruptive. In summary, the available evidence is currently insufficient to determine the role of this variant in disease. Therefore, it has been classified as a Variant of Uncertain Significance.

NM_000388.4(CASR):c.625G>T (p.Val209Leu)

Gene: CASR (calcium sensing receptor; plus strand). Cytogenetic location: 3q21.1.
Variant type: single nucleotide variant.
Coding change: c.625G>T on transcript NM_000388.4 (MANE Select); coding-DNA position 625, G replaced by T.
Protein change: p.Val209Leu; replaces valine 209 with leucine.
Molecular consequence: missense variant.
Genome position (GRCh38, 1-based): chr3:122,261,660, G>T. VCF-style: chr3-122261660-G-T. GRCh37 (hg19) VCF-style: chr3-121980507-G-T.
Other names: c.625G>T, p.Val209Leu (NM_001178065.2); short protein forms V209L.
Identifiers: ClinVar variation 4792822 (VCV004792822.1).